The following is an entry in ClinVar:

ClinVar aggregate classification (germline): Uncertain significance (1 of 4 stars; one submission).

Conditions:
Charcot-Marie-Tooth disease dominant intermediate B (CMTDIB). Also called: Charcot-Marie-Tooth disease dominant intermediate 1; CMT DI1; Charcot-Marie-Tooth disease dominant intermediate I; CHARCOT-MARIE-TOOTH NEUROPATHY, DOMINANT INTERMEDIATE B. Identifiers: Orphanet 100044, Orphanet 228179, MedGen C1847902, MONDO:0011674, OMIM 606482.

Submission:

Labcorp Genetics (formerly Invitae), Labcorp
Classification: Uncertain significance for Charcot-Marie-Tooth disease dominant intermediate B. Last evaluated: 2024-07-03. Review status: criteria provided, single submitter. Criteria: Invitae Variant Classification Sherloc (09022015). Collection method: clinical testing. Allele origin: germline.
Comment: This sequence change replaces glutamine, which is neutral and polar, with lysine, which is basic and polar, at codon 72 of the DNM2 protein (p.Gln72Lys). This variant is not present in population databases (gnomAD no frequency). This variant has not been reported in the literature in individuals affected with DNM2-related conditions. Advanced modeling of protein sequence and biophysical properties (such as structural, functional, and spatial information, amino acid conservation, physicochemical variation, residue mobility, and thermodynamic stability) has been performed at Invitae for this missense variant, however the output from this modeling did not meet the statistical confidence thresholds required to predict the impact of this variant on DNM2 protein function. In summary, the available evidence is currently insufficient to determine the role of this variant in disease. Therefore, it has been classified as a Variant of Uncertain Significance.

NM_001005361.3(DNM2):c.214C>A (p.Gln72Lys)

Gene: DNM2 (dynamin 2; plus strand). Cytogenetic location: 19p13.2.
Variant type: single nucleotide variant.
Coding change: c.214C>A on transcript NM_001005361.3 (MANE Select); coding-DNA position 214, C replaced by A.
Protein change: p.Gln72Lys; replaces glutamine 72 with lysine.
Molecular consequence: missense variant.
Genome position (GRCh38, 1-based): chr19:10,759,790, C>A. VCF-style: chr19-10759790-C-A. GRCh37 (hg19) VCF-style: chr19-10870466-C-A.
Other names: c.214C>A, p.Gln72Lys (NM_001005360.3, NM_001005362.3, NM_001190716.2 and 1 more transcripts); short protein forms Q72K.
Identifiers: ClinVar variation 3677855 (VCV003677855.2).